The following is an entry in ClinVar:

NM_012406.4(PRDM4):c.1254G>A (p.Gln418=)

Genes: PRDM4 (PR/SET domain 4; minus strand), PRDM4-AS1 (PRDM4 antisense RNA 1; plus strand). Cytogenetic location: 12q23.3.
Variant type: single nucleotide variant.
Coding change: c.1254G>A on transcript NM_012406.4 (MANE Select); coding-DNA position 1254, G replaced by A.
Protein change: p.Gln418=; no amino-acid change (glutamine 418 retained).
Molecular consequence: synonymous variant.
Genome position (GRCh38, 1-based): chr12:107,746,297, C>T on the plus strand (G>A on the coding strand, the complement: PRDM4 is on the minus strand). VCF-style: chr12-107746297-C-T. GRCh37 (hg19) VCF-style: chr12-108140074-C-T.
Identifiers: ClinVar variation 4083548 (VCV004083548.8).
Genomic context (GRCh38, chr12:107,746,297, plus strand): 5'-AGAGATGTAATAGTGTTTTACAGTTCCAAGGTTCTTACCAACTTCTGCTCCCACAATTGA[C>T]TGACGGAGAACAAGCTGCTTTGGGAGAGAAAGCCTTGCTCTGCTCTCTATTGGAGTGTCA-3'
Protein context (NP_036538.3, residues 408-428): LSLPKQLVLR[Gln418=]SIVGAEVGVW

ClinVar aggregate classification (germline): Likely benign (1 of 4 stars; one submission).

gnomAD v4.1: 11,783 of 1,613,996 alleles (0.73%); highest among the groups gnomAD compares: Non-Finnish European, 0.88%; 59 homozygotes.

Submission:

CeGaT Center for Human Genetics Tuebingen
Classification: Likely benign. Last evaluated: 2025-07-01. Review status: criteria provided, single submitter. Criteria: CeGaT Center For Human Genetics Tuebingen Variant Classification Criteria Version 2. Collection method: clinical testing. Allele origin: germline. Affected: yes. Observed: 1 variant allele.
Comment: PRDM4: BP4, BP7, BS2